The following is an entry in ClinVar:

ClinVar aggregate classification (germline): Uncertain significance (1 of 4 stars; one submission).

Conditions:
Hereditary spastic paraplegia 11. Also called: Spastic Paraplegia 11; SPASTIC PARAPLEGIA, AUTOSOMAL RECESSIVE, COMPLICATED, WITH THIN CORPUS CALLOSUM; SPASTIC PARAPLEGIA, AUTOSOMAL RECESSIVE, WITH MENTAL IMPAIRMENT AND THIN CORPUS CALLOSUM; Nakamura Osame syndrome; Autosomal recessive hereditary spastic paraplegia, mental impairment, and thin corpus callosum; Spastic paraplegia, mental retardation and thin corpus callosum. Identifiers: Orphanet 2822, MedGen C1858479, MONDO:0011445, OMIM 604360.

gnomAD v4.1: 1 of 1,591,704 alleles (0.000063%); highest among the groups gnomAD compares: Non-Finnish European, 0.000086%; no homozygotes.

Submission:

Labcorp Genetics (formerly Invitae), Labcorp
Classification: Uncertain significance for Hereditary spastic paraplegia 11. Last evaluated: 2020-08-27. Review status: criteria provided, single submitter. Criteria: Invitae Variant Classification Sherloc (09022015). Collection method: clinical testing. Allele origin: germline.
Comment: In summary, the available evidence is currently insufficient to determine the role of this variant in disease. Therefore, it has been classified as a Variant of Uncertain Significance. Nucleotide substitutions within the consensus splice site are a relatively common cause of aberrant splicing (PMID: 17576681, 9536098). Algorithms developed to predict the effect of sequence changes on RNA splicing suggest that this variant may disrupt the consensus splice site, but this prediction has not been confirmed by published transcriptional studies. This variant has not been reported in the literature in individuals with SPG11-related conditions. This variant is not present in population databases (ExAC no frequency). This sequence change falls in intron 17 of the SPG11 gene. It does not directly change the encoded amino acid sequence of the SPG11 protein, but it affects a nucleotide within the consensus splice site of the intron.

Literature cited by the submitters: PubMed 17576681; PubMed 9536098.

NM_025137.4(SPG11):c.3145+3A>G

Gene: SPG11 (SPG11 vesicle trafficking associated, spatacsin; minus strand). Cytogenetic location: 15q21.1.
Variant type: single nucleotide variant.
Coding change: c.3145+3A>G on transcript NM_025137.4 (MANE Select); 3 bases into the intron after coding-DNA position 3145, A replaced by G.
Molecular consequence: intron variant.
Genome position (GRCh38, 1-based): chr15:44,613,427, T>C on the plus strand (A>G on the coding strand, the complement: SPG11 is on the minus strand). VCF-style: chr15-44613427-T-C. GRCh37 (hg19) VCF-style: chr15-44905625-T-C.
Other names: c.3145+3A>G (NM_001160227.2).
Identifiers: ClinVar variation 1000100 (VCV001000100.5), dbSNP rs755042849, ClinGen allele CA645575463.